The following is an entry in ClinVar:

NM_001098816.3(TENM4):c.762G>T (p.Lys254Asn)

Gene: TENM4 (teneurin transmembrane protein 4; minus strand). Cytogenetic location: 11q14.1.
Variant type: single nucleotide variant.
Coding change: c.762G>T on transcript NM_001098816.3 (MANE Select); coding-DNA position 762, G replaced by T.
Protein change: p.Lys254Asn; replaces lysine 254 with asparagine.
Molecular consequence: missense variant.
Genome position (GRCh38, 1-based): chr11:78,891,324, C>A on the plus strand (G>T on the coding strand, the complement: TENM4 is on the minus strand). VCF-style: chr11-78891324-C-A. GRCh37 (hg19) VCF-style: chr11-78602369-C-A.
Other names: short protein forms K254N.
Identifiers: ClinVar variation 1465962 (VCV001465962.6), dbSNP rs1291073875, ClinGen allele CA382183796.

ClinVar aggregate classification (germline): Uncertain significance (1 of 4 stars; one submission).

Allele frequency attached by ClinVar (database versions not stated): gnomAD 0.00001; TOPMed 0.00002.
gnomAD v4.1: 8 of 1,551,454 alleles (0.00052%); highest among the groups gnomAD compares: African/African-American, 0.0014%; no homozygotes.

Submission:

Labcorp Genetics (formerly Invitae), Labcorp
Classification: Uncertain significance. Last evaluated: 2021-09-20. Review status: criteria provided, single submitter. Criteria: Invitae Variant Classification Sherloc (09022015). Collection method: clinical testing. Allele origin: germline.
Comment: This variant is not present in population databases (ExAC no frequency). This sequence change replaces lysine with asparagine at codon 254 of the TENM4 protein (p.Lys254Asn). The lysine residue is moderately conserved and there is a moderate physicochemical difference between lysine and asparagine. This variant has not been reported in the literature in individuals affected with TENM4-related conditions. In summary, the available evidence is currently insufficient to determine the role of this variant in disease. Therefore, it has been classified as a Variant of Uncertain Significance. Algorithms developed to predict the effect of missense changes on protein structure and function are either unavailable or do not agree on the potential impact of this missense change (SIFT: "Deleterious"; PolyPhen-2: "Benign"; Align-GVGD: "Class C0").